The following is an entry in ClinVar:

NM_000256.3(MYBPC3):c.3708G>A (p.Leu1236=)

Gene: MYBPC3 (myosin binding protein C3; minus strand). Cytogenetic location: 11p11.2.
Variant type: single nucleotide variant.
Coding change: c.3708G>A on transcript NM_000256.3 (MANE Select); coding-DNA position 3708, G replaced by A.
Protein change: p.Leu1236=; no amino-acid change (leucine 1236 retained).
Molecular consequence: synonymous variant.
Genome position (GRCh38, 1-based): chr11:47,332,178, C>T on the plus strand (G>A on the coding strand, the complement: MYBPC3 is on the minus strand). VCF-style: chr11-47332178-C-T. GRCh37 (hg19) VCF-style: chr11-47353729-C-T.
Other names: p.Leu1236=; c.3708G>A, p.Leu1236= (LRG_386t1).
Identifiers: ClinVar variation 516335 (VCV000516335.13), dbSNP rs767400149, ClinGen allele CA079512.

ClinVar aggregate classification (germline): Likely benign. Review status: criteria provided, multiple submitters, no conflicts (2 of 4 stars). 6 submissions from 6 submitters: Likely benign (6). Last evaluated 2025-11-16.

Conditions:
Cardiomyopathy (CMYO). Also called: Cardiomyopathies. Identifiers: Orphanet 167848, MedGen C0878544, MONDO:0004994, HP:0001638. Inheritance: Various modes of inheritance.
Cardiovascular phenotype. Identifiers: MedGen CN230736.
Hypertrophic cardiomyopathy. Also called: HYPERTROPHIC MYOCARDIOPATHY. Identifiers: Orphanet 217569, MedGen C0007194, MeSH D002312, MONDO:0005045, HP:0001639.

Allele frequency attached by ClinVar (database versions not stated): gnomAD exomes below 0.00001 and 0.00001; ExAC 0.00001; gnomAD 0.00002; TOPMed 0.00005.
gnomAD v4.1: 8 of 1,613,736 alleles (0.0005%); highest among the groups gnomAD compares: African/African-American, 0.011%; no homozygotes.

Submissions (6):

Mayo Clinic Laboratories, Mayo Clinic
Classification: Likely benign. Last evaluated: 2025-11-16. Review status: criteria provided, single submitter. Criteria: ACMG Guidelines, 2015. Collection method: clinical testing. Allele origin: germline. Observed: 1 variant allele.
Comment: BP4, BP7

Labcorp Genetics (formerly Invitae), Labcorp
Classification: Likely benign for Hypertrophic cardiomyopathy. Last evaluated: 2025-06-29. Review status: criteria provided, single submitter. Criteria: Invitae Variant Classification Sherloc (09022015). Collection method: clinical testing. Allele origin: germline.

All of Us Research Program, National Institutes of Health
Classification: Likely benign for Hypertrophic cardiomyopathy. Last evaluated: 2023-11-20. Review status: criteria provided, single submitter. Criteria: ACMG Guidelines, 2015. Collection method: clinical testing. Allele origin: germline. Inheritance: Autosomal dominant inheritance. Observed: 2 variant alleles, 2 heterozygotes.
Comment: This study involves interpretation of variants in research participants for the purpose of population health screening. Participant phenotype was not available at the time of variant classification. Additional details can be found in publication PMID: 35346344, PMCID: PMC8962531

Color Diagnostics, LLC DBA Color Health
Classification: Likely benign for Cardiomyopathy. Last evaluated: 2022-11-06. Review status: criteria provided, single submitter. Criteria: ACMG Guidelines, 2015. Collection method: clinical testing. Allele origin: germline.

Ambry Genetics
Classification: Likely benign for Cardiovascular phenotype. Last evaluated: 2019-09-28. Review status: criteria provided, single submitter. Criteria: Ambry Variant Classification Scheme 2023. Collection method: clinical testing. Allele origin: germline.

GeneDx
Classification: Likely benign. Last evaluated: 2017-06-09. Review status: criteria provided, single submitter. Criteria: GeneDx Variant Classification (06012015). Collection method: clinical testing. Allele origin: germline. Affected: yes.
Comment: This variant is considered likely benign or benign based on one or more of the following criteria: it is a conservative change, it occurs at a poorly conserved position in the protein, it is predicted to be benign by multiple in silico algorithms, and/or has population frequency not consistent with disease.